The following is an entry in ClinVar:

NM_001009944.3(PKD1):c.6021C>G (p.Tyr2007Ter)

Gene: PKD1 (polycystin 1, transient receptor potential channel interacting; minus strand). Cytogenetic location: 16p13.3.
Variant type: single nucleotide variant.
Coding change: c.6021C>G on transcript NM_001009944.3 (MANE Select); coding-DNA position 6021, C replaced by G.
Protein change: p.Tyr2007Ter; replaces tyrosine 2007 with a stop codon.
Molecular consequence: nonsense.
Genome position (GRCh38, 1-based): chr16:2,109,146, G>C on the plus strand (C>G on the coding strand, the complement: PKD1 is on the minus strand). VCF-style: chr16-2109146-G-C. GRCh37 (hg19) VCF-style: chr16-2159147-G-C.
Other names: c.6021C>G, p.Tyr2007Ter (NM_000296.4); short protein forms Y2007*.
Identifiers: ClinVar variation 3235209 (VCV003235209.4), dbSNP rs147391291.

ClinVar aggregate classification (germline): Pathogenic/Likely pathogenic. Review status: criteria provided, multiple submitters, no conflicts (2 of 4 stars). 4 submissions from 4 submitters: Pathogenic (3); Likely pathogenic (1). Last evaluated 2025-09-22.

Conditions:
Cystic renal disease.
Polycystic kidney disease, adult type (PKD1). Also called: POLYCYSTIC KIDNEY DISEASE, ADULT, TYPE I; Polycystic Kidney Disease 1, Autosomal Dominant; Polycystic kidney disease 1; Polycystic kidney disease 1, severe; Polycystic Kidney, Autosomal Dominant; POLYCYSTIC KIDNEY DISEASE 1 WITH OR WITHOUT POLYCYSTIC LIVER DISEASE. Identifiers: MedGen C3149841, MONDO:0008263, OMIM 173900.
PKD1-related disorder. Also called: PKD1-related condition.

Submissions (4):

Genetics Laboratory, Great Ormond Street Hospital NHS Foundation Trust, North Thames Genomic Laboratory Hub
Classification: Pathogenic for Cystic renal disease. Last evaluated: 2025-09-22. Review status: criteria provided, single submitter. Criteria: ACGS Best Practice Guidelines for Variant Classification in Rare Disease 2024 v1.2. Collection method: clinical testing. Allele origin: germline. Affected: yes.
Comment: PM2_moderate, PVS1_very-strong

Women's Health and Genetics/Laboratory Corporation of America, LabCorp
Classification: Pathogenic for Polycystic kidney disease, adult type. Last evaluated: 2025-03-21. Review status: criteria provided, single submitter. Criteria: LabCorp Variant Classification Summary - May 2015. Collection method: clinical testing. Allele origin: germline.
Comment: Variant summary: PKD1 c.6021C>G (p.Tyr2007X) results in a premature termination codon, predicted to cause absence of the protein due to nonsense mediated decay, which is a commonly known mechanism for disease. The variant was absent in 241432 control chromosomes (gnomAD). To our knowledge, no occurrence of c.6021C>G in individuals affected with Polycystic Kidney Disease 1 and no experimental evidence demonstrating its impact on protein function have been reported. ClinVar contains an entry for this variant (Variation ID: 3235209). Based on the evidence outlined above, the variant was classified as pathogenic.

Blueprint Genetics
Classification: Likely pathogenic for PKD1-related disorders. Last evaluated: 2022-11-08. Review status: criteria provided, single submitter. Criteria: ACMG Guidelines, 2015. Collection method: clinical testing. Allele origin: germline. Affected: yes. Observed: 1 variant allele.

MVZ Medizinische Genetik Mainz
Classification: Pathogenic for Polycystic kidney disease, adult type. Last evaluated: 2022-03-29. Review status: criteria provided, single submitter. Criteria: UK Practice Guidelines For Variant Classification V4 01 2020. Collection method: clinical testing. Allele origin: germline. Inheritance: Autosomal dominant inheritance. Affected: yes. Observed: 1 variant allele.
Comment: ACMG Criteria: PVS1, PM2_SUP, PP4 (ACMG Version 3)